The following is an entry in ClinVar:

ClinVar aggregate classification (germline): Uncertain significance (1 of 4 stars; one submission).

Conditions:
Charcot-Marie-Tooth disease dominant intermediate B (CMTDIB). Also called: Charcot-Marie-Tooth disease dominant intermediate 1; CMT DI1; Charcot-Marie-Tooth disease dominant intermediate I; CHARCOT-MARIE-TOOTH NEUROPATHY, DOMINANT INTERMEDIATE B. Identifiers: Orphanet 100044, Orphanet 228179, MedGen C1847902, MONDO:0011674, OMIM 606482.

Submission:

Labcorp Genetics (formerly Invitae), Labcorp
Classification: Uncertain significance for Charcot-Marie-Tooth disease dominant intermediate B. Last evaluated: 2019-10-30. Review status: criteria provided, single submitter. Criteria: Invitae Variant Classification Sherloc (09022015). Collection method: clinical testing. Allele origin: germline.
Comment: This variant is not present in population databases (ExAC no frequency). This sequence change falls in intron 12 of the DNM2 gene. It does not directly change the encoded amino acid sequence of the DNM2 protein, but it affects a nucleotide within the consensus splice site of the intron. In summary, the available evidence is currently insufficient to determine the role of this variant in disease. Therefore, it has been classified as a Variant of Uncertain Significance. Nucleotide substitutions within the consensus splice site are a relatively common cause of aberrant splicing (PMID: 17576681, 9536098). Algorithms developed to predict the effect of sequence changes on RNA splicing suggest that this variant may disrupt the consensus splice site, but this prediction has not been confirmed by published transcriptional studies. This variant has not been reported in the literature in individuals with DNM2-related conditions.

Literature cited by the submitters: PubMed 17576681; PubMed 9536098.

NM_001005361.3(DNM2):c.1493+5G>A

Gene: DNM2 (dynamin 2; plus strand). Cytogenetic location: 19p13.2.
Variant type: single nucleotide variant.
Coding change: c.1493+5G>A on transcript NM_001005361.3 (MANE Select); 5 bases into the intron after coding-DNA position 1493, G replaced by A.
Molecular consequence: intron variant.
Genome position (GRCh38, 1-based): chr19:10,802,363, G>A. VCF-style: chr19-10802363-G-A. GRCh37 (hg19) VCF-style: chr19-10913039-G-A.
Other names: c.1493+5G>A (NM_001005360.3, NM_001190716.2, NM_004945.4 and 1 more transcripts).
Identifiers: ClinVar variation 960123 (VCV000960123.7), dbSNP rs2072182574, ClinGen allele CA1139666236.